The following is an entry in ClinVar:

NM_024753.5(TTC21B):c.2011G>C (p.Glu671Gln)

Gene: TTC21B (tetratricopeptide repeat domain 21B; minus strand). Cytogenetic location: 2q24.3.
Variant type: single nucleotide variant.
Coding change: c.2011G>C on transcript NM_024753.5 (MANE Select); coding-DNA position 2011, G replaced by C.
Protein change: p.Glu671Gln; replaces glutamic acid 671 with glutamine.
Molecular consequence: missense variant.
Genome position (GRCh38, 1-based): chr2:165,915,328, C>G on the plus strand (G>C on the coding strand, the complement: TTC21B is on the minus strand). VCF-style: chr2-165915328-C-G. GRCh37 (hg19) VCF-style: chr2-166771838-C-G.
Other names: short protein forms E671Q.
Identifiers: ClinVar variation 2000239 (VCV002000239.4), dbSNP rs201233440, ClinGen allele CA59799107.

ClinVar aggregate classification (germline): Uncertain significance (1 of 4 stars; one submission).

Conditions:
Jeune thoracic dystrophy. Also called: Jeune syndrome; Infantile thoracic dystrophy; Thoracic pelvic phalangeal dystrophy; Jeune's syndrome; Chondroectodermal dysplasia-like syndrome; Short-rib thoracic dysplasia. Identifiers: Orphanet 474, MedGen C0265275, MONDO:0018770.
Nephronophthisis. Also called: Juvenile Nephronophthisis. Identifiers: Orphanet 655, MedGen C0687120, MONDO:0019005, HP:0000090.

Submission:

Labcorp Genetics (formerly Invitae), Labcorp
Classification: Uncertain significance for Jeune thoracic dystrophy; Nephronophthisis. Last evaluated: 2022-05-29. Review status: criteria provided, single submitter. Criteria: Invitae Variant Classification Sherloc (09022015). Collection method: clinical testing. Allele origin: germline.
Comment: In summary, the available evidence is currently insufficient to determine the role of this variant in disease. Therefore, it has been classified as a Variant of Uncertain Significance. Algorithms developed to predict the effect of missense changes on protein structure and function are either unavailable or do not agree on the potential impact of this missense change (SIFT: "Deleterious"; PolyPhen-2: "Possibly Damaging"; Align-GVGD: "Class C0"). This variant has not been reported in the literature in individuals affected with TTC21B-related conditions. This variant is not present in population databases (gnomAD no frequency). This sequence change replaces glutamic acid, which is acidic and polar, with glutamine, which is neutral and polar, at codon 671 of the TTC21B protein (p.Glu671Gln).